The following is an entry in ClinVar:

NM_001352514.2(HLCS):c.2230C>T (p.Leu744Phe)

Gene: HLCS (holocarboxylase synthetase; minus strand). Cytogenetic location: 21q22.13.
Variant type: single nucleotide variant.
Coding change: c.2230C>T on transcript NM_001352514.2 (MANE Select); coding-DNA position 2230, C replaced by T.
Protein change: p.Leu744Phe; replaces leucine 744 with phenylalanine.
Molecular consequence: missense variant. On other transcripts: non-coding transcript variant (2).
Genome position (GRCh38, 1-based): chr21:36,759,733, G>A on the plus strand (C>T on the coding strand, the complement: HLCS is on the minus strand). VCF-style: chr21-36759733-G-A. GRCh37 (hg19) VCF-style: chr21-38132034-G-A.
Other names: c.1789C>T, p.Leu597Phe (NM_000411.8, NM_001242784.3, NM_001242785.2 and 4 more transcripts); short protein forms L597F, L744F.
Identifiers: ClinVar variation 1907967 (VCV001907967.4), dbSNP rs201167553, ClinGen allele CA320418728.
Genomic context (GRCh38, chr21:36,759,733, plus strand): 5'-TTTTTATTGTTTTATTAATCTAAAAATGCTGGGGGAAAGGTTTTTGAAACTTACCAATAA[G>A]TATATAAAATGTTTCTCCCATGAGTGTTGAGTTAACCAGAACTCCGCCGATCTTCATGAG-3'
Protein context (NP_001339443.1, residues 734-754): STLMGETFYI[Leu744Phe]IGCGFNVTNS

ClinVar aggregate classification (germline): Uncertain significance (1 of 4 stars; one submission).

Conditions:
Holocarboxylase synthetase deficiency. Also called: MULTIPLE CARBOXYLASE DEFICIENCY, EARLY ONSET. Identifiers: Orphanet 79242, MedGen C0268581, MONDO:0009666, OMIM 253270.

Allele frequency attached by ClinVar (database versions not stated): TOPMed 0.00001.

Submission:

Labcorp Genetics (formerly Invitae), Labcorp
Classification: Uncertain significance for Holocarboxylase synthetase deficiency. Last evaluated: 2023-11-27. Review status: criteria provided, single submitter. Criteria: Invitae Variant Classification Sherloc (09022015). Collection method: clinical testing. Allele origin: germline.
Comment: This sequence change replaces leucine, which is neutral and non-polar, with phenylalanine, which is neutral and non-polar, at codon 597 of the HLCS protein (p.Leu597Phe). This variant is not present in population databases (gnomAD no frequency). This variant has not been reported in the literature in individuals affected with HLCS-related conditions. ClinVar contains an entry for this variant (Variation ID: 1907967). Advanced modeling of protein sequence and biophysical properties (such as structural, functional, and spatial information, amino acid conservation, physicochemical variation, residue mobility, and thermodynamic stability) performed at Invitae indicates that this missense variant is expected to disrupt HLCS protein function with a positive predictive value of 80%. In summary, the available evidence is currently insufficient to determine the role of this variant in disease. Therefore, it has been classified as a Variant of Uncertain Significance.